The following is an entry in ClinVar:

ClinVar aggregate classification (germline): Uncertain significance (1 of 4 stars; one submission).

Conditions:
Developmental and epileptic encephalopathy, 54. Also called: HNRNPU-Related Neurodevelopmental Disorder; Epileptic encephalopathy, early infantile, 54. Identifiers: MedGen C4479319, MONDO:0033363, OMIM 617391.

Allele frequency attached by ClinVar (database versions not stated): gnomAD exomes below 0.00001; TOPMed below 0.00001; gnomAD 0.00001.
gnomAD v4.1: 7 of 1,613,626 alleles (0.00043%); highest among the groups gnomAD compares: Non-Finnish European, 0.00051%; no homozygotes.

Submission:

Labcorp Genetics (formerly Invitae), Labcorp
Classification: Uncertain significance for Developmental and epileptic encephalopathy, 54. Last evaluated: 2019-08-23. Review status: criteria provided, single submitter. Criteria: Invitae Variant Classification Sherloc (09022015). Collection method: clinical testing. Allele origin: germline.
Comment: This sequence change replaces isoleucine with valine at codon 652 of the HNRNPU protein (p.Ile652Val). The isoleucine residue is highly conserved and there is a small physicochemical difference between isoleucine and valine. This variant is not present in population databases (ExAC no frequency). This variant has not been reported in the literature in individuals with HNRNPU-related conditions. Algorithms developed to predict the effect of sequence changes on RNA splicing suggest that this variant may create or strengthen a splice site, but this prediction has not been confirmed by published transcriptional studies. In summary, the available evidence is currently insufficient to determine the role of this variant in disease. Therefore, it has been classified as a Variant of Uncertain Significance.

NM_031844.3(HNRNPU):c.1954A>G (p.Ile652Val)

Gene: HNRNPU (heterogeneous nuclear ribonucleoprotein U; minus strand). Cytogenetic location: 1q44.
Variant type: single nucleotide variant.
Coding change: c.1954A>G on transcript NM_031844.3 (MANE Select); coding-DNA position 1954, A replaced by G.
Protein change: p.Ile652Val; replaces isoleucine 652 with valine.
Molecular consequence: missense variant.
Genome position (GRCh38, 1-based): chr1:244,856,117, T>C on the plus strand (A>G on the coding strand, the complement: HNRNPU is on the minus strand). VCF-style: chr1-244856117-T-C. GRCh37 (hg19) VCF-style: chr1-245019419-T-C.
Other names: c.1897A>G, p.Ile633Val (NM_004501.3); short protein forms I633V, I652V.
Identifiers: ClinVar variation 956092 (VCV000956092.10), dbSNP rs1261806485, ClinGen allele CA345488501.